The following is an entry in ClinVar:

ClinVar aggregate classification (germline): Uncertain significance (1 of 4 stars; one submission).

gnomAD v4.1: 2 of 1,609,628 alleles (0.00012%); highest among the groups gnomAD compares: Non-Finnish European, 0.00017%; no homozygotes.

Submission:

GeneDx
Classification: Uncertain significance. Last evaluated: 2022-12-06. Review status: criteria provided, single submitter. Criteria: GeneDx Variant Classification Process June 2021. Collection method: clinical testing. Allele origin: germline. Affected: yes.
Comment: Not observed at significant frequency in large population cohorts (gnomAD); In silico analysis supports that this missense variant has a deleterious effect on protein structure/function; Has not been previously published as pathogenic or benign to our knowledge

NM_024496.4(IRF2BPL):c.158C>T (p.Thr53Ile)

Genes: IRF2BPL (interferon regulatory factor 2 binding protein like; minus strand), LOC107984638 (uncharacterized LOC107984638; plus strand). Cytogenetic location: 14q24.3.
Variant type: single nucleotide variant.
Coding change: c.158C>T on transcript NM_024496.4 (MANE Select); coding-DNA position 158, C replaced by T.
Protein change: p.Thr53Ile; replaces threonine 53 with isoleucine.
Molecular consequence: missense variant.
Genome position (GRCh38, 1-based): chr14:77,027,635, G>A on the plus strand (C>T on the coding strand, the complement: IRF2BPL is on the minus strand). VCF-style: chr14-77027635-G-A. GRCh37 (hg19) VCF-style: chr14-77493978-G-A.
Other names: short protein forms T53I.
Identifiers: ClinVar variation 2504960 (VCV002504960.1), dbSNP rs2503079942, ClinGen allele CA390501291.